The following is an entry in ClinVar:

NM_001447.3(FAT2):c.143C>T (p.Pro48Leu)

Gene: FAT2 (FAT atypical cadherin 2; minus strand). Cytogenetic location: 5q33.1.
Variant type: single nucleotide variant.
Coding change: c.143C>T on transcript NM_001447.3 (MANE Select); coding-DNA position 143, C replaced by T.
Protein change: p.Pro48Leu; replaces proline 48 with leucine.
Molecular consequence: missense variant.
Genome position (GRCh38, 1-based): chr5:151,568,789, G>A on the plus strand (C>T on the coding strand, the complement: FAT2 is on the minus strand). VCF-style: chr5-151568789-G-A. GRCh37 (hg19) VCF-style: chr5-150948350-G-A.
Other names: short protein forms P48L.
Identifiers: ClinVar variation 2997837 (VCV002997837.3), dbSNP rs1758403542, ClinGen allele CA361817925.

ClinVar aggregate classification (germline): Uncertain significance (1 of 4 stars; one submission).

Submission:

Labcorp Genetics (formerly Invitae), Labcorp
Classification: Uncertain significance. Last evaluated: 2023-01-22. Review status: criteria provided, single submitter. Criteria: Invitae Variant Classification Sherloc (09022015). Collection method: clinical testing. Allele origin: germline.
Comment: In summary, the available evidence is currently insufficient to determine the role of this variant in disease. Therefore, it has been classified as a Variant of Uncertain Significance. Algorithms developed to predict the effect of missense changes on protein structure and function (SIFT, PolyPhen-2, Align-GVGD) all suggest that this variant is likely to be disruptive. This variant has not been reported in the literature in individuals affected with FAT2-related conditions. This variant is not present in population databases (gnomAD no frequency). This sequence change replaces proline, which is neutral and non-polar, with leucine, which is neutral and non-polar, at codon 48 of the FAT2 protein (p.Pro48Leu).